The following is an entry in ClinVar:

NM_001690.4(ATP6V1A):c.436C>T (p.His146Tyr)

Gene: ATP6V1A (ATPase H+ transporting V1 subunit A; plus strand). Cytogenetic location: 3q13.31.
Variant type: single nucleotide variant.
Coding change: c.436C>T on transcript NM_001690.4 (MANE Select); coding-DNA position 436, C replaced by T.
Protein change: p.His146Tyr; replaces histidine 146 with tyrosine.
Molecular consequence: missense variant.
Genome position (GRCh38, 1-based): chr3:113,784,705, C>T. VCF-style: chr3-113784705-C-T. GRCh37 (hg19) VCF-style: chr3-113503552-C-T.
Other names: short protein forms H146Y.
Identifiers: ClinVar variation 4534129 (VCV004534129.6).

ClinVar aggregate classification (germline): Uncertain significance (1 of 4 stars; one submission).

Submission:

CeGaT Center for Human Genetics Tuebingen
Classification: Uncertain significance. Last evaluated: 2025-10-01. Review status: criteria provided, single submitter. Criteria: CeGaT Center For Human Genetics Tuebingen Variant Classification Criteria Version 2. Collection method: clinical testing. Allele origin: germline. Affected: yes. Observed: 1 variant allele.
Comment: ATP6V1A: PM2